The following is an entry in ClinVar:

ClinVar aggregate classification (germline): Uncertain significance. Review status: criteria provided, multiple submitters, no conflicts (2 of 4 stars). 3 submissions from 3 submitters: Uncertain significance (2). 1 of the submissions does not count toward it. Last evaluated 2025-10-03.

Conditions:
Inborn genetic diseases. Identifiers: MedGen C0950123, MeSH D030342.
Nemaline myopathy 2 (NEM2). Also called: Nemaline myopathy 2, autosomal recessive. Identifiers: MedGen C1850569, MONDO:0009725, OMIM 256030.

Allele frequency attached by ClinVar (database versions not stated): TOPMed below 0.00001; gnomAD 0.00001.
gnomAD v4.1: 1 of 1,608,742 alleles (0.000062%); highest among the groups gnomAD compares: Non-Finnish European, 0.000085%; no homozygotes.

Submissions (3):

Labcorp Genetics (formerly Invitae), Labcorp
Classification: Uncertain significance for Nemaline myopathy 2. Last evaluated: 2025-10-03. Review status: criteria provided, single submitter. Criteria: Invitae Variant Classification Sherloc (09022015). Collection method: clinical testing. Allele origin: germline.
Comment: This sequence change replaces aspartic acid, which is acidic and polar, with glutamic acid, which is acidic and polar, at codon 1069 of the NEB protein (p.Asp1069Glu). This variant is not present in population databases (gnomAD no frequency). This variant has not been reported in the literature in individuals affected with NEB-related conditions. ClinVar contains an entry for this variant (Variation ID: 1376719). Experimental studies and prediction algorithms are not available or were not evaluated, and the functional significance of this variant is currently unknown. In summary, the available evidence is currently insufficient to determine the role of this variant in disease. Therefore, it has been classified as a Variant of Uncertain Significance.

Ambry Genetics
Classification: Uncertain significance for Inborn genetic diseases. Last evaluated: 2022-12-27. Review status: criteria provided, single submitter. Criteria: Ambry Variant Classification Scheme 2023. Collection method: clinical testing. Allele origin: germline.

Natera, Inc.
Classification: Uncertain significance for Nemaline myopathy type 2. Last evaluated: 2025-01-15. Review status: no assertion criteria provided. Collection method: clinical testing. Allele origin: germline. Not counted in ClinVar's aggregate classification.

NM_001164508.2(NEB):c.3207T>G (p.Asp1069Glu)

Gene: NEB (nebulin; minus strand). Cytogenetic location: 2q23.3.
Variant type: single nucleotide variant.
Coding change: c.3207T>G on transcript NM_001164508.2 (MANE Select); coding-DNA position 3207, T replaced by G.
Protein change: p.Asp1069Glu; replaces aspartic acid 1069 with glutamic acid.
Molecular consequence: missense variant.
Genome position (GRCh38, 1-based): chr2:151,679,769, A>C on the plus strand (T>G on the coding strand, the complement: NEB is on the minus strand). VCF-style: chr2-151679769-A-C. GRCh37 (hg19) VCF-style: chr2-152536283-A-C.
Other names: c.3207T>G (NM_001271208.1, NM_004543.4); c.3207T>G, p.Asp1069Glu (NM_001164507.2, NM_001271208.2, NM_004543.5); short protein forms D1069E.
Identifiers: ClinVar variation 1376719 (VCV001376719.8), dbSNP rs1419430871, ClinGen allele CA348820155.